The following is an entry in ClinVar:

ClinVar aggregate classification (germline): Conflicting classifications of pathogenicity. Review status: criteria provided, conflicting classifications (1 of 4 stars). 7 submissions from 7 submitters: Pathogenic (2); Likely pathogenic (3); Uncertain significance (2). Last evaluated 2026-03-01.

Conditions:
Cardiomyopathy (CMYO). Also called: Cardiomyopathies. Identifiers: Orphanet 167848, MedGen C0878544, MONDO:0004994, HP:0001638. Inheritance: Various modes of inheritance.
Cardiovascular phenotype. Identifiers: MedGen CN230736.
Dilated cardiomyopathy 1G (CMD1G). Identifiers: Orphanet 154, MedGen C1858763, MONDO:0011400, OMIM 604145.
Autosomal recessive limb-girdle muscular dystrophy type 2J (LGMDR10). Also called: MUSCULAR DYSTROPHY, LIMB-GIRDLE, AUTOSOMAL RECESSIVE 10; Limb-girdle muscular dystrophy, type 2J. Identifiers: Orphanet 140922, MedGen C1837342, MONDO:0012127, OMIM 608807.

Allele frequency attached by ClinVar (database versions not stated): gnomAD exomes below 0.00001; ExAC 0.00001; gnomAD 0.00003 and 0.00004.

Submissions (7):

CeGaT Center for Human Genetics Tuebingen
Classification: Pathogenic. Last evaluated: 2026-03-01. Review status: criteria provided, single submitter. Criteria: CeGaT Center For Human Genetics Tuebingen Variant Classification Criteria Version 2. Collection method: clinical testing. Allele origin: germline. Affected: yes. Observed: 2 variant alleles.
Comment: TTN: PS4, PVS1:Strong, PM2

Petrovsky National Research Centre of Surgery, The Federal Agency for Scientific Organizations
Classification: Likely pathogenic for Cardiomyopathy. Last evaluated: 2025-11-18. Review status: criteria provided, single submitter. Criteria: ACMG Guidelines, 2015. Collection method: clinical testing. Allele origin: germline. Affected: yes.
Comment: This nonsense variant introduces a premature stop codon, consistent with loss of function, a known disease mechanism in TTN-related cardiomyopathy (PVS1_strong). The variant is extremely rare in population databases (gnomAD v4.1.0 MAF 0.000006197), supporting PM2. In accordance with ACMG (2015) criteria, this variant is classified as Likely Pathogenic (Class IV) with the following criteria applied: PVS1_strong, PM2.

Labcorp Genetics (formerly Invitae), Labcorp
Classification: Pathogenic for Dilated cardiomyopathy 1G; Autosomal recessive limb-girdle muscular dystrophy type 2J. Last evaluated: 2025-11-16. Review status: criteria provided, single submitter. Criteria: Invitae Variant Classification Sherloc (09022015). Collection method: clinical testing. Allele origin: germline.
Comment: This sequence change creates a premature translational stop signal (p.Gln4566*) in the TTN gene. While this is not anticipated to result in nonsense mediated decay, it is expected to create a truncated TTN protein. This variant is present in population databases (rs775072385, gnomAD 0.006%). This premature translational stop signal has been observed in individuals with autosomal dominant dilated cardiomyopathy (PMID: 22335739; internal data). This variant is also known as c.12745C>T, p.Q4249*. ClinVar contains an entry for this variant (Variation ID: 962352). This variant is located in the I band of TTN (PMID: 25589632). Truncating variants in this region have been reported in individuals affected with autosomal recessive centronuclear myopathy (PMID: 23975875, internal data). Truncating variants in this region have also been identified in individuals affected with autosomal dominant dilated cardiomyopathy and/or cardio-related conditions (PMID: 27869827, 32964742, internal data). For these reasons, this variant has been classified as Pathogenic.

Ambry Genetics
Classification: Likely pathogenic for Cardiovascular phenotype. Last evaluated: 2025-03-19. Review status: criteria provided, single submitter. Criteria: Ambry Variant Classification Scheme 2023. Collection method: clinical testing. Allele origin: germline.
Comment: The p.Q4203* variant (also known as c.12607C>T), located in coding exon 44 of the TTN gene, results from a C to T substitution at nucleotide position 12607. This changes the amino acid from a glutamine to a stop codon within coding exon 44. This exon is located in the I-band region of the N2-B isoform of the titin protein and is constitutively expressed in TTN transcripts (percent spliced in or PSI 100%). This variant (referred to as NM_001256850:c.12745C>T, p.Gln4249X) was reported in individual(s) with features consistent with dilated cardiomyopathy (Herman DS et al. N Engl J Med, 2012 Feb;366:619-28). This variant is expected to result in loss of function by premature protein truncation or nonsense-mediated mRNA decay. While truncating variants in TTN are present in 1-3% of the general population, truncating variants in the A-band are the most common cause of dilated cardiomyopathy (Herman DS et al. N. Engl. J. Med., 2012 Feb;366:619-28; Roberts AM et al. Sci Transl Med, 2015 Jan;7:270ra6). TTN truncating variants encoded in constitutive exons (PSI >90%) have been found to be significantly associated with DCM regardless of their position in titin (Schafer S et al. Nat. Genet., 2017 01;49:46-53; Akhtar MM et al. Circ Heart Fail, 2020 Oct;13:e006832; Massier M et al. Clin Genet, 2025 Jan). Based on the majority of available evidence to date, this variant is likely to be pathogenic.

Laboratory of Genetics, Children's Clinical University Hospital Latvia
Classification: Likely pathogenic. Last evaluated: 2025-02-16. Review status: criteria provided, single submitter. Criteria: ACMG Guidelines, 2015. Collection method: clinical testing. Allele origin: germline. Affected: yes.

Blueprint Genetics
Classification: Uncertain significance. Last evaluated: 2024-11-22. Review status: criteria provided, single submitter. Criteria: ACMG Guidelines, 2015. Collection method: clinical testing. Allele origin: germline.

AiLife Diagnostics
Classification: Uncertain significance. Last evaluated: 2021-12-02. Review status: criteria provided, single submitter. Criteria: ACMG Guidelines, 2015. Collection method: clinical testing. Allele origin: germline. Affected: yes. Observed: 1 variant allele.

Literature cited by the submitters: PubMed 22335739 (cited by 3 submitters); PubMed 25589632 (cited by Labcorp Genetics (formerly Invitae), Labcorp); PubMed 23975875 (cited by Labcorp Genetics (formerly Invitae), Labcorp); PubMed 27869827 (cited by Labcorp Genetics (formerly Invitae), Labcorp); PubMed 32964742 (cited by Labcorp Genetics (formerly Invitae), Labcorp); PubMed 37342443 (cited by Ambry Genetics).

NM_001267550.2(TTN):c.13696C>T (p.Gln4566Ter)

Gene: TTN (titin; minus strand). Cytogenetic location: 2q31.2.
Variant type: single nucleotide variant.
Coding change: c.13696C>T on transcript NM_001267550.2 (MANE Select); coding-DNA position 13696, C replaced by T.
Protein change: p.Gln4566Ter; replaces glutamine 4566 with a stop codon.
Molecular consequence: nonsense. On other transcripts: intron variant (1).
Genome position (GRCh38, 1-based): chr2:178,739,537, G>A on the plus strand (C>T on the coding strand, the complement: TTN is on the minus strand). VCF-style: chr2-178739537-G-A. GRCh37 (hg19) VCF-style: chr2-179604264-G-A.
Other names: c.12745C>T, p.Gln4249Ter (NM_001256850.1); c.12607C>T, p.Gln4203Ter (NM_003319.4); c.12982C>T, p.Gln4328Ter (NM_133432.3); c.13183C>T, p.Gln4395Ter (NM_133437.4); c.10361-1177C>T (NM_133378.4); short protein forms Q4249*, Q4566*, Q4328*, Q4203*, Q4395*.
Identifiers: ClinVar variation 962352 (VCV000962352.21), dbSNP rs775072385, ClinGen allele CA2002541.
Genomic context (GRCh38, chr2:178,739,537, plus strand): 5'-CAGTACCACTTTCAGAGGAAGACTCCTCTTTTTCCTCTGATGGTTTCAGACTCTCATCTT[G>A]TTTTTCGTCAGAGACAACAGCTGAAGCAACCCCTTTAGTGACAGGTGTGGCATCCAAATA-3'